The following is an entry in ClinVar:

ClinVar aggregate classification (germline): Likely benign (1 of 4 stars; one submission).

gnomAD v4.1: 33 of 1,614,150 alleles (0.002%); highest among the groups gnomAD compares: Non-Finnish European, 0.0023%; no homozygotes.

Submission:

CeGaT Center for Human Genetics Tuebingen
Classification: Likely benign. Last evaluated: 2026-06-01. Review status: criteria provided, single submitter. Criteria: CeGaT Center For Human Genetics Tuebingen Variant Classification Criteria Version 2. Collection method: clinical testing. Allele origin: germline. Affected: yes. Observed: 1 variant allele.
Comment: FGB: BP4, BP7

NM_005141.5(FGB):c.1128A>G (p.Arg376=)

Gene: FGB (fibrinogen beta chain; plus strand). Cytogenetic location: 4q31.3.
Variant type: single nucleotide variant.
Coding change: c.1128A>G on transcript NM_005141.5 (MANE Select); coding-DNA position 1128, A replaced by G.
Protein change: p.Arg376=; no amino-acid change (arginine 376 retained).
Molecular consequence: synonymous variant. On other transcripts: intron variant (1).
Genome position (GRCh38, 1-based): chr4:154,569,683, A>G. VCF-style: chr4-154569683-A-G. GRCh37 (hg19) VCF-style: chr4-155490835-A-G.
Other names: c.951A>G, p.Arg317= (NM_001184741.1); c.996A>G, p.Arg332= (NM_001382759.1); c.1128A>G, p.Arg376= (NM_001382760.1, NM_001382761.1, NM_001382765.1); c.828A>G, p.Arg276= (NM_001382762.1); c.1119A>G, p.Arg373= (NM_001382763.1); c.1080+48A>G (NM_001382764.1).
Identifiers: ClinVar variation 4872672 (VCV004872672.2).
Genomic context (GRCh38, chr4:154,569,683, plus strand): 5'-TGGAGGATTCACTGTACAGAATGAAGCCAACAAATACCAGATCTCAGTGAACAAATACAG[A>G]GGAACAGCCGGTAATGCCCTCATGGATGGAGCATCTCAGCTGATGGGAGAAAACAGGACC-3'
Protein context (NP_005132.2, residues 366-386): NKYQISVNKY[Arg376=]GTAGNALMDG